The following is an entry in ClinVar:

ClinVar aggregate classification (germline): Pathogenic (0 of 4 stars; one submission).

Conditions:
von Willebrand disease type 3 (VWD3). Also called: Type 3 Von Willebrand's disease; Type 3 VWD; Von Willebrand disease, severe form; V WD3; VON WILLEBRAND DISEASE, TYPE III. Identifiers: Orphanet 166096, MedGen C1264041, MONDO:0010191, OMIM 277480.

Submission:

Angelo Bianchi Bonomi Hemophilia and Thrombosis Center, Fondazione IRCCS Ca Granda Ospedale Maggiore Policlinico
Classification: Pathogenic for von Willebrand disease type 3. Last evaluated: 2021-04-12. Review status: no assertion criteria provided. Collection method: clinical testing. Allele origin: germline. Affected: yes. Study: Type 3 Von Willebrand International Registries Inhibitor Prospective Study (3WINTERS-IPS).
Comment: CNV Interpretation Scoring Rubric: Copy Number LOSS

Literature cited by the submitters: PubMed 21410641.

NC_000012.11:g.(6105389_6120782)_(6220135_6230339)del

Gene: VWF (von Willebrand factor; minus strand). Cytogenetic location: 12p13.31.
Variant type: Deletion.
Identifiers: ClinVar variation 1065235 (VCV001065235.3).